The following is an entry in ClinVar:

ClinVar aggregate classification (germline): Uncertain significance (1 of 4 stars; one submission).

Conditions:
Pityriasis rubra pilaris (PRP). Also called: Pityriasis rubra pilaris--familial type. Identifiers: Orphanet 2897, MedGen C0032027, MONDO:0100017, OMIM 173200, MONDO:0008251.
Psoriasis 2. Identifiers: MedGen C1864497, MONDO:0011269, OMIM 602723.

gnomAD v4.1: 1 of 1,610,032 alleles (0.000062%); highest among the groups gnomAD compares: East Asian, 0.0022%; no homozygotes.

Submission:

Labcorp Genetics (formerly Invitae), Labcorp
Classification: Uncertain significance for Pityriasis rubra pilaris; Psoriasis 2. Last evaluated: 2025-10-20. Review status: criteria provided, single submitter. Criteria: Invitae Variant Classification Sherloc (09022015). Collection method: clinical testing. Allele origin: germline.
Comment: This sequence change affects an acceptor splice site in intron 10 of the CARD14 gene. It is expected to disrupt RNA splicing. Variants that disrupt the donor or acceptor splice site typically lead to a loss of protein function (PMID: 16199547), however the current clinical and genetic evidence is not sufficient to establish whether loss-of-function variants in CARD14 cause disease. This variant is present in population databases (no rsID available, gnomAD 0.006%). This variant has not been reported in the literature in individuals affected with CARD14-related conditions. Algorithms developed to predict the effect of sequence changes on RNA splicing suggest that this variant may disrupt the consensus splice site. In summary, the available evidence is currently insufficient to determine the role of this variant in disease. Therefore, it has been classified as a Variant of Uncertain Significance.

Literature cited by the submitters: PubMed 16199547.

NM_001366385.1(CARD14):c.1500-2A>G

Gene: CARD14 (caspase recruitment domain family member 14; plus strand). Cytogenetic location: 17q25.3.
Variant type: single nucleotide variant.
Coding change: c.1500-2A>G on transcript NM_001366385.1 (MANE Select); the canonical splice acceptor site of the intron before coding-DNA position 1500, A replaced by G.
Molecular consequence: splice acceptor variant.
Genome position (GRCh38, 1-based): chr17:80,195,556, A>G. VCF-style: chr17-80195556-A-G. GRCh37 (hg19) VCF-style: chr17-78169355-A-G.
Other names: c.1500-2A>G (NM_024110.4, NM_001257970.1); c.789-2A>G (NM_052819.3).
Identifiers: ClinVar variation 4786474 (VCV004786474.1).